The following is an entry in ClinVar:

NM_000077.5(CDKN2A):c.458-36G>A

Gene: CDKN2A (cyclin dependent kinase inhibitor 2A; minus strand). Cytogenetic location: 9p21.3.
Variant type: single nucleotide variant.
Coding change: c.458-36G>A on transcript NM_000077.5 (MANE Select); 36 bases into the intron before coding-DNA position 458, G replaced by A.
Molecular consequence: intron variant.
Genome position (GRCh38, 1-based): chr9:21,968,278, C>T on the plus strand (G>A on the coding strand, the complement: CDKN2A is on the minus strand). VCF-style: chr9-21968278-C-T. GRCh37 (hg19) VCF-style: chr9-21968277-C-T.
Other names: c.305-36G>A (NM_001363763.2); c.*102-36G>A (NM_058195.4); c.*151-36G>A (NM_001195132.2); c.*381-36G>A (NM_058197.5).
Identifiers: ClinVar variation 4294295 (VCV004294295.1).
Genomic context (GRCh38, chr9:21,968,278, plus strand): 5'-CTCTGGTTCTTTCAATCGGGGATGTCTGCAGAGGGCAGAAAGAAAACAGGCGTTAGAAAC[C>T]TGAGGTCAAAGATGTGTGGCACATCCCGCCCTCCTCTCTTGCCGTCCCTACCGGCATTGA-3'

ClinVar aggregate classification (germline): Benign (1 of 4 stars; one submission).

Conditions:
Melanoma-pancreatic cancer syndrome. Identifiers: Orphanet 404560, MedGen C1838547, MONDO:0011713, OMIM 606719. Disease mechanism: loss of function.

Submission:

Myriad Genetics, Inc.
Classification: Benign for Melanoma-pancreatic cancer syndrome. Last evaluated: 2025-08-18. Review status: criteria provided, single submitter. Criteria: Myriad Autosomal Dominant, Autosomal Recessive and X-Linked Classification Criteria (2023). Collection method: clinical testing. Allele origin: unknown.
Comment: This variant is considered benign. This variant is intronic and is not expected to impact mRNA splicing.